The following is an entry in ClinVar:

ClinVar aggregate classification (germline): Uncertain significance. Review status: criteria provided, multiple submitters, no conflicts (2 of 4 stars). 2 submissions from 2 submitters: Uncertain significance (2). Last evaluated 2024-02-15.

Conditions:
Early Myoclonic Encephalopathy. Identifiers: MedGen C0270855.

Submissions (2):

Labcorp Genetics (formerly Invitae), Labcorp
Classification: Uncertain significance for Early Myoclonic Encephalopathy. Last evaluated: 2024-02-15. Review status: criteria provided, single submitter. Criteria: Invitae Variant Classification Sherloc (09022015). Collection method: clinical testing. Allele origin: germline.
Comment: This sequence change replaces tryptophan, which is neutral and slightly polar, with cysteine, which is neutral and slightly polar, at codon 205 of the JMJD1C protein (p.Trp205Cys). This variant is not present in population databases (gnomAD no frequency). This variant has not been reported in the literature in individuals affected with JMJD1C-related conditions. ClinVar contains an entry for this variant (Variation ID: 2495085). An algorithm developed to predict the effect of missense changes on protein structure and function (PolyPhen-2) suggests that this variant is likely to be disruptive. In summary, the available evidence is currently insufficient to determine the role of this variant in disease. Therefore, it has been classified as a Variant of Uncertain Significance.

Ambry Genetics
Classification: Uncertain significance. Last evaluated: 2023-03-07. Review status: criteria provided, single submitter. Criteria: Ambry Variant Classification Scheme 2023. Collection method: clinical testing. Allele origin: germline.

NM_032776.3(JMJD1C):c.615G>T (p.Trp205Cys)

Gene: JMJD1C (jumonji domain containing 1C; minus strand). Cytogenetic location: 10q21.3.
Variant type: single nucleotide variant.
Coding change: c.615G>T on transcript NM_032776.3 (MANE Select); coding-DNA position 615, G replaced by T.
Protein change: p.Trp205Cys; replaces tryptophan 205 with cysteine.
Molecular consequence: missense variant. On other transcripts: 5 prime UTR variant (3), non-coding transcript variant (1).
Genome position (GRCh38, 1-based): chr10:63,217,270, C>A on the plus strand (G>T on the coding strand, the complement: JMJD1C is on the minus strand). VCF-style: chr10-63217270-C-A. GRCh37 (hg19) VCF-style: chr10-64977030-C-A.
Other names: c.69G>T, p.Trp23Cys (NM_001282948.2, NM_001318154.2); c.-254G>T (NM_001318153.2); c.501G>T, p.Trp167Cys (NM_001322252.2); c.-43G>T (NM_001322254.2, NM_001322258.2); short protein forms W167C, W23C, W205C.
Identifiers: ClinVar variation 2495085 (VCV002495085.4), dbSNP rs2492823244, ClinGen allele CA377053767.
Genomic context (GRCh38, chr10:63,217,270, plus strand): 5'-ATCATTCATAACGATCATGGTGCGGGTGAAGAGATCATGATGAGTAATTATGCCAGTAAA[C>A]CACTGGGTGGCAGAGTCTTGTCTATATACTCTCACTCTGTATCCATTTAAGGAATAAGGA-3'
Protein context (NP_116165.1, residues 195-215): RVYRQDSATQ[Trp205Cys]FTGIITHHDL